The following is an entry in ClinVar:

ClinVar aggregate classification (germline): Benign/Likely benign. Review status: criteria provided, multiple submitters, no conflicts (2 of 4 stars). 2 submissions from 2 submitters: Benign (1); Likely benign (1). Last evaluated 2018-06-16.

Conditions:
Maturity-onset diabetes of the young (MODY). Also called: Maturity onset diabetes mellitus in young. Identifiers: Orphanet 552, MedGen C0342276, MONDO:0018911, HP:0004904.

Allele frequency attached by ClinVar (database versions not stated): 1000 Genomes Project 30x 0.00406; 1000 Genomes Project 0.00419; TOPMed 0.00609; gnomAD 0.00832.
gnomAD v4.1: 1,126 of 152,234 alleles (0.74%); highest among the groups gnomAD compares: Non-Finnish European, 1.1%; 9 homozygotes.

Submissions (2):

GeneDx
Classification: Likely benign. Last evaluated: 2018-06-16. Review status: criteria provided, single submitter. Criteria: GeneDx Variant Classification (06012015). Collection method: clinical testing. Allele origin: germline. Affected: yes.
Comment: This variant is considered likely benign or benign based on one or more of the following criteria: it is a conservative change, it occurs at a poorly conserved position in the protein, it is predicted to be benign by multiple in silico algorithms, and/or has population frequency not consistent with disease.

Clinical Genomics, Uppaluri K&H Personalized Medicine Clinic
Classification: Benign for Maturity-onset diabetes of the young. Review status: criteria provided, single submitter. Criteria: K & H Uppaluri Personalized Medicine Clinic Variant Classification & Assertion Criteria_Updated V.1. Collection method: research. Allele origin: unknown. Inheritance: Autosomal dominant inheritance.
Comment: Mutations in HNF1A gene can predispose to MODY3. It is associated with both micro and macrovascular complications of diabetes, especially cardiovascular complications. Associated with glucosuria. May respond well to sulfonylureas. However, more evidence is required to confer the association of this particular variant rs575098936 with MODY3.

Literature cited by the submitters: PubMed 31517624 (cited by Clinical Genomics, Uppaluri K&H Personalized Medicine Clinic); PubMed 32395877 (cited by Clinical Genomics, Uppaluri K&H Personalized Medicine Clinic); PubMed 35328643 (cited by Clinical Genomics, Uppaluri K&H Personalized Medicine Clinic); PubMed 35673428 (cited by Clinical Genomics, Uppaluri K&H Personalized Medicine Clinic).

NM_000545.8(HNF1A):c.326+241T>C

Gene: HNF1A (HNF1 homeobox A; plus strand). Cytogenetic location: 12q24.31.
Variant type: single nucleotide variant.
Coding change: c.326+241T>C on transcript NM_000545.8 (MANE Select); 241 bases into the intron after coding-DNA position 326, T replaced by C.
Molecular consequence: intron variant.
Genome position (GRCh38, 1-based): chr12:120,979,335, T>C. VCF-style: chr12-120979335-T-C. GRCh37 (hg19) VCF-style: chr12-121417138-T-C.
Other names: c.326+241T>C (NM_001306179.2).
Identifiers: ClinVar variation 676863 (VCV000676863.2), dbSNP rs575098936, ClinGen allele CA244521335.